The following is an entry in ClinVar:

ClinVar aggregate classification (germline): Pathogenic (1 of 4 stars; one submission).

Conditions:
Familial cancer of breast. Also called: BREAST CANCER, FAMILIAL; hereditary breast carcinoma; Hereditary breast cancer. Identifiers: Orphanet 227535, MedGen C0346153, MONDO:0016419, OMIM 114480. Disease mechanism: loss of function.
Fanconi anemia complementation group J. Also called: BRIP1-Related Fanconi Anemia. Identifiers: Orphanet 84, MedGen C1836860, MONDO:0012187, OMIM 609054.

Submission:

Labcorp Genetics (formerly Invitae), Labcorp
Classification: Pathogenic for Familial cancer of breast; Fanconi anemia complementation group J. Last evaluated: 2023-09-20. Review status: criteria provided, single submitter. Criteria: Invitae Variant Classification Sherloc (09022015). Collection method: clinical testing. Allele origin: germline.
Comment: For these reasons, this variant has been classified as Pathogenic. Retrotransposon insertions including LINE1 (L1), Alu, and SVA (SINE-VNTR-Alu) have been reported to be disease-causing through disruption of either a coding region or splice site (PMID: 19763152, 20307669, 22406018) and loss-of-function variants in BRIP1 are known to be pathogenic (PMID: 16116423, 17033622, 21964575). This variant has not been reported in the literature in individuals affected with BRIP1-related conditions. This variant is not present in population databases (gnomAD no frequency). This sequence change inserts a large fragment of DNA, likely a transposable element, in exon 5 of the BRIP1 gene (c.463_464ins?), causing a frameshift at codon 155 (p.Gln155fs). The exact size and sequence of the insertion cannot be determined by the current assay. However, the insertion is expected to result in an absent or disrupted protein product.

Literature cited by the submitters: PubMed 19763152; PubMed 20307669; PubMed 22406018; PubMed 16116423; PubMed 17033622; PubMed 21964575.

NM_032043.3(BRIP1):c.463_464insGGCCGGGCGCGGTGGCTCACGCCTGTAATCCCAGCACTTTGGGAGGCCGAGGCGGGTGGATCATGAGGTCANNNNNNNNNNAAAAAAAAAAAAAAAAAAAAGAAAATGATGATTTTC (p.Phe154_Gln155insArgProGlyAlaValAlaHisAlaCysAsnProSerThrLeuGlyGlyArgGlyGlyTrpIleMetArgSerXaaXaaXaaXaaLysLysLysLysLysLysGluAsnAspAspPhe)

Gene: BRIP1 (BRCA1 interacting DNA helicase 1; minus strand). Cytogenetic location: 17q23.2.
Variant type: Insertion.
Coding change: c.463_464insGGCCGGGCGCGGTGGCTCACGCCTGTAATCCCAGCACTTTGGGAGGCCGAGGCGGGTGGATCATGAGGTCANNNNNNNNNNAAAAAAAAAAAAAAAAAAAAGAAAATGATGATTTTC on transcript NM_032043.3 (MANE Select); coding-DNA positions 463 to 464, GGCCGGGCGCGGTGGCTCACGCCTGTAATCCCAGCACTTTGGGAGGCCGAGGCGGGTGGATCATGAGGTCANNNNNNNNNNAAAAAAAAAAAAAAAAAAAAGAAAATGATGATTTTC inserted.
Protein change: p.Phe154_Gln155insArgProGlyAlaValAlaHisAlaCysAsnProSerThrLeuGlyGlyArgGlyGlyTrpIleMetArgSerXaaXaaXaaXaaLysLysLysLysLysLysGluAsnAspAspPhe.
Molecular consequence: inframe insertion.
Genome position: GRCh38: chr17:61,849,188-61,849,189. GRCh37 (hg19): chr17:59,926,549-59,926,550.
Identifiers: ClinVar variation 2952105 (VCV002952105.3), dbSNP rs2545419752.